The following is an entry in ClinVar:

NM_003748.4(ALDH4A1):c.*763T>C

Gene: ALDH4A1 (aldehyde dehydrogenase 4 family member A1; minus strand). Cytogenetic location: 1p36.13.
Variant type: single nucleotide variant.
Coding change: c.*763T>C on transcript NM_003748.4 (MANE Select); 763 bases downstream of the stop codon, T replaced by C.
Molecular consequence: 3 prime UTR variant. On other transcripts: intron variant (1).
Genome position (GRCh38, 1-based): chr1:18,872,082, A>G on the plus strand (T>C on the coding strand, the complement: ALDH4A1 is on the minus strand). VCF-style: chr1-18872082-A-G. GRCh37 (hg19) VCF-style: chr1-19198576-A-G.
Other names: c.*763T>C (NM_001161504.2, NM_001319218.2); c.*42-292T>C (NM_170726.3).
Identifiers: ClinVar variation 294344 (VCV000294344.6), dbSNP rs1138267, ClinGen allele CA10608594.

ClinVar aggregate classification (germline): Benign. Review status: criteria provided, multiple submitters, no conflicts (2 of 4 stars). 2 submissions from 2 submitters: Benign (2). Last evaluated 2018-01-13.

Conditions:
Hyperprolinemia type 2 (HYRPRO2). Also called: 1-PYRROLINE-5-CARBOXYLATE DEHYDROGENASE DEFICIENCY; Deficiency of pyrroline-5-carboxylate reductase; Delta-1-pyrroline-5-carboxylate dehydrogenase deficiency. Identifiers: Orphanet 79101, MedGen C2931835, MONDO:0009401, OMIM 239510.

Allele frequency attached by ClinVar (database versions not stated): gnomAD 0.65227 and 0.65760; TOPMed 0.66129; 1000 Genomes Project 30x 0.66989; 1000 Genomes Project 0.67512; gnomAD exomes 0.68966.
gnomAD v4.1: 100,327 of 152,280 alleles (66%); highest among the groups gnomAD compares: Admixed American, 76%; 33,684 homozygotes.

Submissions (2):

Illumina Laboratory Services, Illumina
Classification: Benign for Hyperprolinemia type 2. Last evaluated: 2018-01-13. Review status: criteria provided, single submitter. Criteria: ICSL Variant Classification Criteria 13 December 2019. Collection method: clinical testing. Allele origin: germline.
Comment: This variant was observed in the ICSL laboratory as part of a predisposition screen in an ostensibly healthy population. It had not been previously curated by ICSL or reported in the Human Gene Mutation Database (HGMD: prior to June 1st, 2018), and was therefore a candidate for classification through an automated scoring system. Utilizing variant allele frequency, disease prevalence and penetrance estimates, and inheritance mode, an automated score was calculated to assess if this variant is too frequent to cause the disease. Based on the score and internal cut-off values, a variant classified as benign is not then subjected to further curation. The score for this variant resulted in a classification of benign for this disease.

Breakthrough Genomics
Classification: Benign. Review status: criteria provided, single submitter. Criteria: ACMG Guidelines, 2015. Collection method: not provided. Allele origin: germline. Inheritance: Autosomal recessive inheritance. Affected: yes.